The following is an entry in ClinVar:

NM_012330.4(KAT6B):c.3962A>C (p.Gln1321Pro)

Gene: KAT6B (lysine acetyltransferase 6B; plus strand). Cytogenetic location: 10q22.2.
Variant type: single nucleotide variant.
Coding change: c.3962A>C on transcript NM_012330.4 (MANE Select); coding-DNA position 3962, A replaced by C.
Protein change: p.Gln1321Pro; replaces glutamine 1321 with proline.
Molecular consequence: missense variant.
Genome position (GRCh38, 1-based): chr10:75,028,786, A>C. VCF-style: chr10-75028786-A-C. GRCh37 (hg19) VCF-style: chr10-76788544-A-C.
Other names: c.3413A>C, p.Gln1138Pro (NM_001256468.2, NM_001370138.1); c.3086A>C, p.Gln1029Pro (NM_001256469.2, NM_001370139.1, NM_001370140.1 and 2 more transcripts); c.2924A>C, p.Gln975Pro (NM_001370132.1); c.2273A>C, p.Gln758Pro (NM_001370133.1); c.1877A>C, p.Gln626Pro (NM_001370134.1); c.1619A>C, p.Gln540Pro (NM_001370135.1); c.3962A>C, p.Gln1321Pro (NM_001370136.1, NM_001370137.1); c.2897A>C, p.Gln966Pro (NM_001370143.1, NM_001370144.1); short protein forms Q1321P, Q540P, Q758P, Q966P, Q1029P, Q1138P, Q626P, Q975P.
Identifiers: ClinVar variation 3597816 (VCV003597816.3).

ClinVar aggregate classification (germline): Uncertain significance. Review status: criteria provided, multiple submitters, no conflicts (2 of 4 stars). 2 submissions from 2 submitters: Uncertain significance (2). Last evaluated 2025-03-11.

Conditions:
Blepharophimosis - intellectual disability syndrome, SBBYS type (SBBYSS). Also called: Ohdo syndrome, SBBYS variant; SBBYSS syndrome; Say-Barber-Biesecker-Young-Simpson syndrome; Say-Barber-Biesecker-Young-Simpson variant of Ohdo Syndrome; Say-Barber-Biesecker Variant of Ohdo Syndrome; Say-Barber-Biesecker variant of Ohdo syndrome (SBBYSS). Identifiers: Orphanet 3047, MedGen C1863557, MONDO:0011365, OMIM 603736.
Genitopatellar syndrome (GTPTS). Also called: ABSENT PATELLAE, SCROTAL HYPOPLASIA, RENAL ANOMALIES, FACIAL DYSMORPHISM, AND MENTAL RETARDATION; Genitopatellar syndrome (GPS). Identifiers: Orphanet 85201, MedGen C1853566, MONDO:0011640, OMIM 606170.

Submissions (2):

Labcorp Genetics (formerly Invitae), Labcorp
Classification: Uncertain significance for Genitopatellar syndrome. Last evaluated: 2025-03-11. Review status: criteria provided, single submitter. Criteria: Invitae Variant Classification Sherloc (09022015). Collection method: clinical testing. Allele origin: germline.
Comment: This sequence change replaces glutamine, which is neutral and polar, with proline, which is neutral and non-polar, at codon 1321 of the KAT6B protein (p.Gln1321Pro). This variant is not present in population databases (gnomAD no frequency). This variant has not been reported in the literature in individuals affected with KAT6B-related conditions. ClinVar contains an entry for this variant (Variation ID: 3597816). Invitae Evidence Modeling of protein sequence and biophysical properties (such as structural, functional, and spatial information, amino acid conservation, physicochemical variation, residue mobility, and thermodynamic stability) indicates that this missense variant is not expected to disrupt KAT6B protein function with a negative predictive value of 80%. In summary, the available evidence is currently insufficient to determine the role of this variant in disease. Therefore, it has been classified as a Variant of Uncertain Significance.

Fulgent Genetics
Classification: Uncertain significance for Blepharophimosis - intellectual disability syndrome, SBBYS type; Genitopatellar syndrome. Last evaluated: 2024-03-26. Review status: criteria provided, single submitter. Criteria: ACMG Guidelines, 2015. Collection method: clinical testing. Allele origin: germline.